The following is an entry in ClinVar:

ClinVar aggregate classification (germline): Likely benign. Review status: criteria provided, multiple submitters, no conflicts (2 of 4 stars). 2 submissions from 2 submitters: Likely benign (2). Last evaluated 2025-10-01.

Conditions:
PRDM12-related disorder. Also called: PRDM12-related condition.
Congenital insensitivity to pain-hypohidrosis syndrome. Also called: Neuropathy, hereditary sensory and autonomic, type VIII; HSAN VIII. Identifiers: Orphanet 478664, MedGen C4225308, MONDO:0014662, OMIM 616488.

Allele frequency attached by ClinVar (database versions not stated): gnomAD 0.00005; TOPMed 0.00005; ExAC 0.00007.
gnomAD v4.1: 17 of 1,465,440 alleles (0.0012%); highest among the groups gnomAD compares: African/African-American, 0.013%; no homozygotes.

Submissions (2):

PreventionGenetics, part of Exact Sciences
Classification: Likely benign for PRDM12-related condition. Last evaluated: 2025-10-01. Review status: criteria provided, single submitter. Criteria: ACMG Guidelines, 2015. Collection method: clinical testing. Allele origin: germline.
Comment: This variant is classified as likely benign based on ACMG/AMP sequence variant interpretation guidelines (Richards et al. 2015 PMID: 25741868, with internal and published modifications).

Labcorp Genetics (formerly Invitae), Labcorp
Classification: Likely benign for Congenital insensitivity to pain-hypohidrosis syndrome. Last evaluated: 2025-01-23. Review status: criteria provided, single submitter. Criteria: Invitae Variant Classification Sherloc (09022015). Collection method: clinical testing. Allele origin: germline.

NM_021619.3(PRDM12):c.696G>T (p.Pro232=)

Genes: PRDM12 (PR/SET domain 12; plus strand), LOC130002813 (ATAC-STARR-seq lymphoblastoid silent region 20403; plus strand). Cytogenetic location: 9q34.12.
Variant type: single nucleotide variant.
Coding change: c.696G>T on transcript NM_021619.3 (MANE Select); coding-DNA position 696, G replaced by T.
Protein change: p.Pro232=; no amino-acid change (proline 232 retained).
Molecular consequence: synonymous variant.
Genome position (GRCh38, 1-based): chr9:130,681,261, G>T. VCF-style: chr9-130681261-G-T. GRCh37 (hg19) VCF-style: chr9-133556648-G-T.
Other names: c.696G>T (NM_021619.2).
Identifiers: ClinVar variation 2042633 (VCV002042633.5), dbSNP rs750585485, ClinGen allele CA5284645.